The following is an entry in ClinVar:

ClinVar aggregate classification (germline): Uncertain significance (1 of 4 stars; one submission).

Conditions:
Rubinstein-Taybi syndrome due to CREBBP mutations (RSTS1). Also called: BROAD THUMB-HALLUX SYNDROME; RUBINSTEIN-TAYBI SYNDROME 1, INCOMPLETE; Rubinstein-Taybi syndrome 1; BROAD THUMBS AND GREAT TOES, CHARACTERISTIC FACIES, AND IMPAIRED INTELLECTUAL DEVELOPMENT; RUBINSTEIN SYNDROME; CREBBP-Related Rubinstein-Taybi Syndrome. Identifiers: Orphanet 353277, Orphanet 783, MedGen C4551859, MONDO:0008393, OMIM 180849.

Submission:

3billion
Classification: Uncertain significance for Rubinstein-Taybi syndrome due to CREBBP mutations. Last evaluated: 2022-01-03. Review status: criteria provided, single submitter. Criteria: ACMG Guidelines, 2015. Collection method: clinical testing. Allele origin: germline. Affected: yes. Observed: 1 heterozygote.
Comment: The variant not observed in the gnomAD v2.1.1 dataset (PM2_M). A different missense change at the same codon has been reported to be associated with CREBBP related disorder (PMID:21984751, PM5_P). In silico tool predictions suggest damaging effect of the variant on gene or gene product (REVEL: 0.843, PP3_P). Therefore, this variant is classified as uncertain significance according to the recommendation of ACMG/AMP guideline.

Literature cited by the submitters: PubMed 21984751.

NM_004380.3(CREBBP):c.4013T>G (p.Leu1338Trp)

Gene: CREBBP (CREB binding lysine acetyltransferase; minus strand). Cytogenetic location: 16p13.3.
Variant type: single nucleotide variant.
Coding change: c.4013T>G on transcript NM_004380.3 (MANE Select); coding-DNA position 4013, T replaced by G.
Protein change: p.Leu1338Trp; replaces leucine 1338 with tryptophan.
Molecular consequence: missense variant.
Genome position (GRCh38, 1-based): chr16:3,740,519, A>C on the plus strand (T>G on the coding strand, the complement: CREBBP is on the minus strand). VCF-style: chr16-3740519-A-C. GRCh37 (hg19) VCF-style: chr16-3790520-A-C.
Other names: c.3899T>G, p.Leu1300Trp (NM_001079846.1); short protein forms L1300W, L1338W.
Identifiers: ClinVar variation 1333260 (VCV001333260.1), dbSNP rs2151341032, ClinGen allele CA394565459.
Genomic context (GRCh38, chr16:3,740,519, plus strand): 5'-AAAACCTCCCCGGCTTCAGGGTGATTCTGGCGCCGCAAAAATTTGTTCACTCGGTCTTCC[A>C]AGTGGTTTCCCAGTCTTGTGGTCTGCAGCCCTAGGAAGTCCAGAAGGAGCAGGTGAGAGG-3'
Protein context (NP_004371.2, residues 1328-1348): RLQTTRLGNH[Leu1338Trp]EDRVNKFLRR